The following is an entry in ClinVar:

ClinVar aggregate classification (germline): Uncertain significance (1 of 4 stars; one submission).

Allele frequency attached by ClinVar (database versions not stated): gnomAD exomes 0.00001.
gnomAD v4.1: 3 of 1,588,094 alleles (0.00019%); highest among the groups gnomAD compares: Non-Finnish European, 0.00026%; no homozygotes.

Submission:

Labcorp Genetics (formerly Invitae), Labcorp
Classification: Uncertain significance. Last evaluated: 2022-04-10. Review status: criteria provided, single submitter. Criteria: Invitae Variant Classification Sherloc (09022015). Collection method: clinical testing. Allele origin: germline.
Comment: This sequence change replaces isoleucine, which is neutral and non-polar, with serine, which is neutral and polar, at codon 281 of the IFT88 protein (p.Ile281Ser). This variant is not present in population databases (gnomAD no frequency). This variant has not been reported in the literature in individuals affected with IFT88-related conditions. Algorithms developed to predict the effect of missense changes on protein structure and function are either unavailable or do not agree on the potential impact of this missense change (SIFT: "Not Available"; PolyPhen-2: "Benign"; Align-GVGD: "Not Available"). In summary, the available evidence is currently insufficient to determine the role of this variant in disease. Therefore, it has been classified as a Variant of Uncertain Significance.

NM_006531.5(IFT88):c.815T>G (p.Ile272Ser)

Gene: IFT88 (intraflagellar transport 88; plus strand). Cytogenetic location: 13q12.11.
Variant type: single nucleotide variant.
Coding change: c.815T>G on transcript NM_006531.5 (MANE Select); coding-DNA position 815, T replaced by G.
Protein change: p.Ile272Ser; replaces isoleucine 272 with serine.
Molecular consequence: missense variant. On other transcripts: non-coding transcript variant (5).
Genome position (GRCh38, 1-based): chr13:20,601,707, T>G. VCF-style: chr13-20601707-T-G. GRCh37 (hg19) VCF-style: chr13-21175846-T-G.
Other names: c.758T>G, p.Ile253Ser (NM_001318491.2, NM_001353573.2, NM_001353574.2 and 1 more transcripts); c.842T>G, p.Ile281Ser (NM_001318493.2, NM_001353565.2, NM_001353566.2 and 6 more transcripts); c.815T>G, p.Ile272Ser (NM_001353568.2, NM_001353571.2, NM_001353572.2 and 1 more transcripts); c.182T>G, p.Ile61Ser (NM_001353579.2); short protein forms I272S, I281S, I61S, I253S.
Identifiers: ClinVar variation 2121068 (VCV002121068.4), dbSNP rs2548162357, ClinGen allele CA387474234.
Genomic context (GRCh38, chr13:20,601,707, plus strand): 5'-TGAATGCCATACTAAAGAGTTCAGAATTTTAAAGCTAATCCATGTCTTTTTCTTTTAGGA[T>G]TAAAATAATGCAGAATATTGGAGTTACATTTATTCAGGCTGGTCAGTATTCAGATGCTAT-3'
Protein context (NP_006522.2, residues 262-282): QVPSVNKQMR[Ile272Ser]KIMQNIGVTF